The following is an entry in ClinVar:

NM_152564.5(VPS13B):c.9614+2T>C

Gene: VPS13B (vacuolar protein sorting 13 homolog B; plus strand). Cytogenetic location: 8q22.2.
Variant type: single nucleotide variant.
Coding change: c.9614+2T>C on transcript NM_152564.5 (MANE Select); the canonical splice donor site of the intron after coding-DNA position 9614, T replaced by C.
Molecular consequence: splice donor variant.
Genome position (GRCh38, 1-based): chr8:99,832,654, T>C. VCF-style: chr8-99832654-T-C. GRCh37 (hg19) VCF-style: chr8-100844882-T-C.
Other names: c.9689+2T>C (NM_017890.5).
Identifiers: ClinVar variation 4081821 (VCV004081821.1).

ClinVar aggregate classification (germline): Likely pathogenic (1 of 4 stars; one submission).

Conditions:
Cohen syndrome (COH1). Also called: PEPPER SYNDROME; Cutis verticis gyrata, retinitis pigmentosa, and sensorineural deafness. Identifiers: Orphanet 193, MedGen C0265223, MONDO:0008999, OMIM 216550.

Submission:

Myriad Genetics, Inc.
Classification: Likely pathogenic for Cohen syndrome. Last evaluated: 2025-05-15. Review status: criteria provided, single submitter. Criteria: Myriad Autosomal Dominant, Autosomal Recessive and X-Linked Classification Criteria (2023). Collection method: clinical testing. Allele origin: unknown.
Comment: NM_017890.4(VPS13B):c.9689+2T>C is a variant in a canonical splice site classified as likely pathogenic in the context of Cohen syndrome. c.9689+2T>C has not been observed in cases with relevant disease. Relevant functional assessments of this variant are not available in the literature. c.9689+2T>C has not been observed in referenced population frequency databases. In summary, NM_017890.4(VPS13B):c.9689+2T>C is a variant in a canonical splice site in a gene where loss of function is a known mechanism of disease and is predicted to disrupt protein function. Please note: this variant was assessed in the context of healthy population screening.